The following is an entry in ClinVar:

ClinVar aggregate classification (germline): Conflicting classifications of pathogenicity. Review status: criteria provided, conflicting classifications (1 of 4 stars). 6 submissions from 6 submitters: Uncertain significance (3); Benign (1); Likely benign (1). 1 of the submissions does not count toward it. Last evaluated 2026-01-14.

Conditions:
Usher syndrome type 1 (USH1). Also called: RETINITIS PIGMENTOSA AND CONGENITAL DEAFNESS. Identifiers: Orphanet 231169, Orphanet 886, MedGen C1568247, MONDO:0010168, OMIM 276900.
Autosomal recessive nonsyndromic hearing loss 2. Also called: DEAFNESS, AUTOSOMAL RECESSIVE 2; NEUROSENSORY NONSYNDROMIC RECESSIVE DEAFNESS 2. Identifiers: Orphanet 90636, MedGen C1838701, MONDO:0010807, OMIM 600060.

Allele frequency attached by ClinVar (database versions not stated): gnomAD exomes 0.00004 and 0.00011; ExAC 0.00013; ESP Exome Variant Server 0.00032; TOPMed 0.00039; 1000 Genomes Project 0.00040; gnomAD 0.00040 and 0.00043; 1000 Genomes Project 30x 0.00062.
gnomAD v4.1: 125 of 1,613,914 alleles (0.0077%); highest among the groups gnomAD compares: African/African-American, 0.15%; no homozygotes.

Submissions (6):

Labcorp Genetics (formerly Invitae), Labcorp
Classification: Likely benign. Last evaluated: 2026-01-14. Review status: criteria provided, single submitter. Criteria: Invitae Variant Classification Sherloc (09022015). Collection method: clinical testing. Allele origin: germline.

Blueprint Genetics
Classification: Uncertain significance. Last evaluated: 2024-10-16. Review status: criteria provided, single submitter. Criteria: ACMG Guidelines, 2015. Collection method: clinical testing. Allele origin: germline.

GeneDx
Classification: Uncertain significance. Last evaluated: 2024-08-20. Review status: criteria provided, single submitter. Criteria: GeneDx Variant Classification Process June 2021. Collection method: clinical testing. Allele origin: germline.
Comment: In silico analysis supports that this missense variant has a deleterious effect on protein structure/function; Has not been previously published as pathogenic or benign to our knowledge

Laboratory for Molecular Medicine, Mass General Brigham Personalized Medicine
Classification: Uncertain significance. Last evaluated: 2013-11-06. Review status: criteria provided, single submitter. Criteria: LMM Criteria. Collection method: clinical testing. Allele origin: germline. Observed: 1 variant allele.
Comment: Variant classified as Uncertain Significance - Favor Benign. The Asp576Asn varia nt in MYO7A has not been previously reported in individuals with hearing loss, b ut has been identified in 0.1% (4/4022) of African American chromosomes by the N HLBI Exome Sequencing Project (dbSNP rs187165 412). Although this variant has been seen in the general population, its frequen cy is not high enough to rule out a pathogenic role. Computational analyses (bi ochemical amino acid properties, conservation, AlignGVGD, PolyPhen2, and SIFT) d o not provide strong support for or against an impact to the protein. In summary , additional information is needed to determine the clinical significance of th is variant..

PreventionGenetics, part of Exact Sciences
Classification: Benign. Review status: criteria provided, single submitter. Criteria: ACMG Guidelines, 2015. Collection method: clinical testing. Allele origin: germline.

Counsyl
Classification: Uncertain significance for Usher syndrome type 1; Autosomal recessive nonsyndromic hearing loss 2. Last evaluated: 2017-04-20. Review status: no assertion criteria provided. Collection method: clinical testing. Allele origin: unknown. Not counted in ClinVar's aggregate classification.

NM_000260.4(MYO7A):c.1726G>A (p.Asp576Asn)

Gene: MYO7A (myosin VIIA; plus strand). Cytogenetic location: 11q13.5.
Variant type: single nucleotide variant.
Coding change: c.1726G>A on transcript NM_000260.4 (MANE Select); coding-DNA position 1726, G replaced by A.
Protein change: p.Asp576Asn; replaces aspartic acid 576 with asparagine.
Molecular consequence: missense variant.
Genome position (GRCh38, 1-based): chr11:77,166,091, G>A. VCF-style: chr11-77166091-G-A. GRCh37 (hg19) VCF-style: chr11-76877137-G-A.
Other names: c.1726G>A, p.Asp576Asn (NM_001127180.2); c.1693G>A, p.Asp565Asn (NM_001369365.1); short protein forms D576N, D565N.
Identifiers: ClinVar variation 164674 (VCV000164674.18), dbSNP rs187165412, ClinGen allele CA177374.